The following is an entry in ClinVar:

ClinVar aggregate classification (germline): Likely benign. Review status: criteria provided, multiple submitters, no conflicts (2 of 4 stars). 3 submissions from 3 submitters: Likely benign (2). 1 of the submissions does not count toward it. Last evaluated 2025-03-01.

Conditions:
ZFHX3-related disorder. Also called: ZFHX3-related condition.

Allele frequency attached by ClinVar (database versions not stated): TOPMed 0.00099; 1000 Genomes Project 30x 0.00109; 1000 Genomes Project 0.00120; ESP Exome Variant Server 0.00139; ExAC 0.00158; gnomAD 0.00163; gnomAD exomes 0.00175.
gnomAD v4.1: 2,796 of 1,614,098 alleles (0.17%); highest among the groups gnomAD compares: Non-Finnish European, 0.18%; 4 homozygotes.

Submissions (3):

CeGaT Center for Human Genetics Tuebingen
Classification: Likely benign. Last evaluated: 2025-03-01. Review status: criteria provided, single submitter. Criteria: CeGaT Center For Human Genetics Tuebingen Variant Classification Criteria Version 2. Collection method: clinical testing. Allele origin: germline. Affected: yes. Observed: 2 variant alleles.
Comment: ZFHX3: BP4, BP7

Blueprint Genetics
Classification: Likely benign. Last evaluated: 2024-10-16. Review status: criteria provided, single submitter. Criteria: ACMG Guidelines, 2015. Collection method: clinical testing. Allele origin: germline.

PreventionGenetics, part of Exact Sciences
Classification: Benign for ZFHX3-related condition. Last evaluated: 2019-06-06. Review status: no assertion criteria provided. Collection method: clinical testing. Allele origin: germline. Not counted in ClinVar's aggregate classification.
Comment: This variant is classified as benign based on ACMG/AMP sequence variant interpretation guidelines (Richards et al. 2015 PMID: 25741868, with internal and published modifications).

NM_006885.4(ZFHX3):c.6750G>A (p.Thr2250=)

Genes: ZFHX3 (zinc finger homeobox 3; minus strand), ZFHX3-AS1 (ZFHX3 antisense RNA 1; plus strand). Cytogenetic location: 16q22.2.
Variant type: single nucleotide variant.
Coding change: c.6750G>A on transcript NM_006885.4 (MANE Select); coding-DNA position 6750, G replaced by A.
Protein change: p.Thr2250=; no amino-acid change (threonine 2250 retained).
Molecular consequence: synonymous variant.
Genome position (GRCh38, 1-based): chr16:72,795,932, C>T on the plus strand (G>A on the coding strand, the complement: ZFHX3 is on the minus strand). VCF-style: chr16-72795932-C-T. GRCh37 (hg19) VCF-style: chr16-72829831-C-T.
Other names: c.4008G>A, p.Thr1336= (NM_001164766.2); c.6750G>A, p.Thr2250= (NM_001386735.1); c.6750G>A (NM_006885.3).
Identifiers: ClinVar variation 2646825 (VCV002646825.26), dbSNP rs139895950, ClinGen allele CA8163345.
Genomic context (GRCh38, chr16:72,795,932, plus strand): 5'-ATCATCCTTTGGGTAAGCATTGGCATCGAAGAAGTCCTGTAAGACCCTCAGCTGGTAGTC[C>T]GTAAACCTTGTTCTTGAAGACCTCTTGCTTCCCCAGTACTCCTGCTTTGGAGGTTCCGGC-3'
Protein context (NP_008816.3, residues 2240-2260): GSKRSSRTRF[Thr2250=]DYQLRVLQDF